The following is an entry in ClinVar:

ClinVar aggregate classification (germline): Pathogenic (1 of 4 stars; one submission).

Conditions:
Inborn genetic diseases. Identifiers: MedGen C0950123, MeSH D030342.

Submission:

Ambry Genetics
Classification: Pathogenic for Inborn genetic diseases. Last evaluated: 2025-08-08. Review status: criteria provided, single submitter. Criteria: Ambry Variant Classification Scheme 2023. Collection method: clinical testing. Allele origin: germline.
Comment: The c.304G>T (p.E102*) alteration, located in exon 2 (coding exon 1) of the PRRT2 gene, consists of a G to T substitution at nucleotide position 304. This changes the amino acid from a glutamic acid (E) to a stop codon at amino acid position 102. This alteration is expected to result in loss of function by premature protein truncation or nonsense-mediated mRNA decay. This variant was not reported in population-based cohorts in the Genome Aggregation Database (gnomAD). Based on the available evidence, this alteration is classified as pathogenic.

NM_145239.3(PRRT2):c.304G>T (p.Glu102Ter)

Genes: MVP-DT (MVP divergent transcript; minus strand), PRRT2 (proline rich transmembrane protein 2; plus strand). Cytogenetic location: 16p11.2.
Variant type: single nucleotide variant.
Coding change: c.304G>T on transcript NM_145239.3 (MANE Select); coding-DNA position 304, G replaced by T.
Protein change: p.Glu102Ter; replaces glutamic acid 102 with a stop codon.
Molecular consequence: nonsense.
Genome position (GRCh38, 1-based): chr16:29,813,358, G>T. VCF-style: chr16-29813358-G-T. GRCh37 (hg19) VCF-style: chr16-29824679-G-T.
Other names: c.304G>T, p.Glu102Ter (NM_001256442.2, NM_001256443.2, NM_001438120.1 and 2 more transcripts); short protein forms E102*.
Identifiers: ClinVar variation 4145606 (VCV004145606.1).